The following is an entry in ClinVar:

NM_017553.3(INO80):c.114G>A (p.Thr38=)

Gene: INO80 (INO80 complex ATPase subunit; minus strand). Cytogenetic location: 15q15.1.
Variant type: single nucleotide variant.
Coding change: c.114G>A on transcript NM_017553.3 (MANE Select); coding-DNA position 114, G replaced by A.
Protein change: p.Thr38=; no amino-acid change (threonine 38 retained).
Molecular consequence: synonymous variant. On other transcripts: non-coding transcript variant (1).
Genome position (GRCh38, 1-based): chr15:41,096,197, C>T on the plus strand (G>A on the coding strand, the complement: INO80 is on the minus strand). VCF-style: chr15-41096197-C-T. GRCh37 (hg19) VCF-style: chr15-41388395-C-T.
Identifiers: ClinVar variation 3357480 (VCV003357480.1).

ClinVar aggregate classification (germline): Likely benign (0 of 4 stars; one submission).

Conditions:
INO80-related disorder. Also called: INO80-related condition.

gnomAD v4.1: 23 of 1,610,802 alleles (0.0014%); highest among the groups gnomAD compares: African/African-American, 0.0094%; no homozygotes.

Submission:

PreventionGenetics, part of Exact Sciences
Classification: Likely benign for INO80-related condition. Last evaluated: 2019-08-28. Review status: no assertion criteria provided. Collection method: clinical testing. Allele origin: germline.
Comment: This variant is classified as likely benign based on ACMG/AMP sequence variant interpretation guidelines (Richards et al. 2015 PMID: 25741868, with internal and published modifications).